The following is an entry in ClinVar:

ClinVar aggregate classification (germline): Uncertain significance. Review status: criteria provided, multiple submitters, no conflicts (2 of 4 stars). 2 submissions from 2 submitters: Uncertain significance (2). Last evaluated 2026-01-26.

Conditions:
Ullrich congenital muscular dystrophy 2 (UCMD2). Identifiers: Orphanet 75840, MedGen C4225314, MONDO:0014654, OMIM 616470.
Bethlem myopathy 2 (BTHLM2). Identifiers: Orphanet 536516, Orphanet 610, MedGen C4225313, MONDO:0034022, OMIM 616471.

Allele frequency attached by ClinVar (database versions not stated): TOPMed below 0.00001.
gnomAD v4.1: 4 of 1,613,020 alleles (0.00025%); highest among the groups gnomAD compares: Non-Finnish European, 0.00025%; no homozygotes.

Submissions (2):

Labcorp Genetics (formerly Invitae), Labcorp
Classification: Uncertain significance for Bethlem myopathy 2; Ullrich congenital muscular dystrophy 2. Last evaluated: 2026-01-26. Review status: criteria provided, single submitter. Criteria: Invitae Variant Classification Sherloc (09022015). Collection method: clinical testing. Allele origin: germline.
Comment: This sequence change replaces leucine, which is neutral and non-polar, with valine, which is neutral and non-polar, at codon 995 of the COL12A1 protein (p.Leu995Val). This variant is present in population databases (no rsID available, gnomAD 0.002%). This variant has not been reported in the literature in individuals affected with COL12A1-related conditions. ClinVar contains an entry for this variant (Variation ID: 2575818). An algorithm developed to predict the effect of missense changes on protein structure and function (PolyPhen-2) suggests that this variant is likely to be tolerated. In summary, the available evidence is currently insufficient to determine the role of this variant in disease. Therefore, it has been classified as a Variant of Uncertain Significance.

GeneDx
Classification: Uncertain significance. Last evaluated: 2024-01-17. Review status: criteria provided, single submitter. Criteria: GeneDx Variant Classification Process June 2021. Collection method: clinical testing. Allele origin: germline. Affected: yes.
Comment: Has not been previously published as pathogenic or benign to our knowledge; Not observed at significant frequency in large population cohorts (gnomAD); In silico analysis supports that this missense variant does not alter protein structure/function

NM_004370.6(COL12A1):c.2983T>G (p.Leu995Val)

Gene: COL12A1 (collagen type XII alpha 1 chain; minus strand). Cytogenetic location: 6q13.
Variant type: single nucleotide variant.
Coding change: c.2983T>G on transcript NM_004370.6 (MANE Select); coding-DNA position 2983, T replaced by G.
Protein change: p.Leu995Val; replaces leucine 995 with valine.
Molecular consequence: missense variant. On other transcripts: intron variant (1).
Genome position (GRCh38, 1-based): chr6:75,165,507, A>C on the plus strand (T>G on the coding strand, the complement: COL12A1 is on the minus strand). VCF-style: chr6-75165507-A-C. GRCh37 (hg19) VCF-style: chr6-75875223-A-C.
Other names: c.74-13025T>G (NM_080645.3); short protein forms L995V.
Identifiers: ClinVar variation 2575818 (VCV002575818.3), dbSNP rs1240726705, ClinGen allele CA364757193.
Genomic context (GRCh38, chr6:75,165,507, plus strand): 5'-GAGCTGATAACTATTGGGTAGCACCGGCACACACCCAAACACACCCATAATGTTACCTAC[A>C]TTCAGTTGTGGCATCTCCAGTCAAAGGTTCTCCTTCTCCACTGCTGTAAGTGGCAAATAC-3'
Protein context (NP_004361.3, residues 985-1005): EPLTGDATTE[Leu995Val]SQDSKTLKVD